The following is an entry in ClinVar:

ClinVar aggregate classification (germline): Conflicting classifications of pathogenicity. Review status: criteria provided, conflicting classifications (1 of 4 stars). 8 submissions from 8 submitters: Uncertain significance (3); Likely benign (2). 3 of the submissions do not count toward it. Last evaluated 2026-08-01.

Conditions:
PRPH-related disorder. Also called: PRPH-related condition.
Amyotrophic lateral sclerosis (ALS). Also called: Charcot disease; Lou Gehrig disease. Identifiers: Orphanet 803, MedGen C0002736, MONDO:0004976, HP:0007354.
Amyotrophic lateral sclerosis, susceptibility to. Identifiers: MedGen C4016314.

Allele frequency attached by ClinVar (database versions not stated): gnomAD exomes 0.00321; gnomAD 0.00363 and 0.00373; 1000 Genomes Project 0.00240; 1000 Genomes Project 30x 0.00297; ExAC 0.00247.
gnomAD v4.1: 8,379 of 1,545,564 alleles (0.54%); highest among the groups gnomAD compares: Non-Finnish European, 0.66%; no homozygotes.

Submissions (8):

CeGaT Center for Human Genetics Tuebingen
Classification: Uncertain significance. Last evaluated: 2026-08-01. Review status: criteria provided, single submitter. Criteria: CeGaT Center For Human Genetics Tuebingen Variant Classification Criteria Version 2. Collection method: clinical testing. Allele origin: germline. Affected: yes. Observed: 2 variant alleles.

Clinical Genetics Laboratory, Skane University Hospital Lund
Classification: Uncertain significance for Amyotrophic lateral sclerosis. Last evaluated: 2026-05-20. Review status: criteria provided, single submitter. Criteria: ACMG Guidelines, 2015. Collection method: clinical testing. Allele origin: germline. Affected: yes.
Comment: ACMG criteria applied: PS3_supporting, PP3.

Women's Health and Genetics/Laboratory Corporation of America, LabCorp
Classification: Likely benign. Last evaluated: 2025-10-28. Review status: criteria provided, single submitter. Criteria: LabCorp Variant Classification Summary - May 2015. Collection method: clinical testing. Allele origin: germline.
Comment: Variant summary: PRPH c.421G>T (p.Asp141Tyr) results in a non-conservative amino acid change located in the Intermediate filament, rod domain (IPR039008) of the encoded protein sequence. Algorithms developed to predict the effect of missense changes on protein structure and function all suggest that this variant is likely to be disruptive. The variant allele was found at a frequency of 0.0032 in 140550 control chromosomes, predominantly at a frequency of 0.0059 within the Non-Finnish European subpopulation in the gnomAD database. The observed variant frequency within Non-Finnish European control individuals in the gnomAD database exceeds the estimated maximal expected allele frequency for disease-causing variants in PRPH. c.421G>T has been observed in individuals affected with Amyotrophic lateral sclerosis type 1 without clear evidence for causality (Leung_2004, Gromicho_2020). These report(s) do not provide unequivocal conclusions about association of the variant with Amyotrophic lateral sclerosis type 1. At least one publication reports experimental evidence evaluating an impact on protein function (Leung_2004); however, it does not allow convincing conclusions about the variant effect. The following publications have been ascertained in the context of this evaluation (PMID: 32638105, 15446584). ClinVar contains an entry for this variant (Variation ID: 13707). Based on the evidence outlined above, the variant was classified as likely benign.

Labcorp Genetics (formerly Invitae), Labcorp
Classification: Likely benign. Last evaluated: 2019-12-31. Review status: criteria provided, single submitter. Criteria: Invitae Variant Classification Sherloc (09022015). Collection method: clinical testing. Allele origin: germline.

GeneDx
Classification: Uncertain significance. Last evaluated: 2017-10-16. Review status: criteria provided, single submitter. Criteria: GeneDx Variant Classification (06012015). Collection method: clinical testing. Allele origin: germline. Affected: yes.
Comment: The D141Y variant in the PRPH gene has been reported previously in the homozygous and heterozygous state in unrelated individuals with ALS (Leung et al., 2004; Corrado et al., 2011). The D141Y variant is observed in 373/64280 (0.58%) alleles in the ExAC dataset, and no individuals were reported to be homozygous (Lek et al., 2016). The D141Y variant is a non-conservative amino acid substitution, which is likely to impact secondary protein structure as these residues differ in polarity, charge, size and/or other properties. This substitution occurs at a position that is conserved in mammals. In silico analysis is inconsistent in its predictions as to whether or not the variant is damaging to the protein structure/function. We interpret D141Y as a variant of uncertain significance.

PreventionGenetics, part of Exact Sciences
Classification: Likely benign for PRPH-related condition. Last evaluated: 2020-01-21. Review status: no assertion criteria provided. Collection method: clinical testing. Allele origin: germline. Not counted in ClinVar's aggregate classification.
Comment: This variant is classified as likely benign based on ACMG/AMP sequence variant interpretation guidelines (Richards et al. 2015 PMID: 25741868, with internal and published modifications).

OMIM
Classification: risk factor for AMYOTROPHIC LATERAL SCLEROSIS, SUSCEPTIBILITY TO. Last evaluated: 2004-07-01. Review status: no assertion criteria provided. Collection method: literature only. Allele origin: germline. Not counted in ClinVar's aggregate classification.

Epithelial Biology;  Institute of Medical Biology, Singapore
No classification provided. Review status: no classification provided. Collection method: not provided. Allele origin: not provided. Not counted in ClinVar's aggregate classification.

Literature cited by the submitters: PubMed 32638105 (cited by Women's Health and Genetics/Laboratory Corporation of America, LabCorp); PubMed 15446584 (cited by Women's Health and Genetics/Laboratory Corporation of America, LabCorp and OMIM).

NM_006262.4(PRPH):c.421G>T (p.Asp141Tyr)

Genes: PRPH (peripherin; plus strand), TROAP-AS1 (TROAP and PRPH antisense RNA 1; minus strand). Cytogenetic location: 12q13.12.
Variant type: single nucleotide variant.
Coding change: c.421G>T on transcript NM_006262.4 (MANE Select); coding-DNA position 421, G replaced by T.
Protein change: p.Asp141Tyr; replaces aspartic acid 141 with tyrosine.
Molecular consequence: missense variant. On other transcripts: non-coding transcript variant (1).
Genome position (GRCh38, 1-based): chr12:49,295,621, G>T. VCF-style: chr12-49295621-G-T. GRCh37 (hg19) VCF-style: chr12-49689404-G-T.
Other names: short protein forms D141Y.
Identifiers: ClinVar variation 13707 (VCV000013707.50), dbSNP rs58599399, ClinGen allele CA123381.
Genomic context (GRCh38, chr12:49,295,621, plus strand): 5'-CAGAACGCGGCCCTGCGCGGGGAGCTGAGCCAAGCCCGGGGCCAGGAGCCGGCGCGCGCC[G>T]ACCAGCTGTGCCAGCAGGAGCTGCGCGAGCTGCGGCGAGAGCTGGAGCTGTTGGGCCGCG-3'
Protein context (NP_006253.2, residues 131-151): QARGQEPARA[Asp141Tyr]QLCQQELREL